The following is an entry in ClinVar:

NM_003184.4(TAF2):c.2319A>G (p.Thr773=)

Gene: TAF2 (TATA-box binding protein associated factor 2; minus strand). Cytogenetic location: 8q24.12.
Variant type: single nucleotide variant.
Coding change: c.2319A>G on transcript NM_003184.4 (MANE Select); coding-DNA position 2319, A replaced by G.
Protein change: p.Thr773=; no amino-acid change (threonine 773 retained).
Molecular consequence: synonymous variant.
Genome position (GRCh38, 1-based): chr8:119,778,064, T>C on the plus strand (A>G on the coding strand, the complement: TAF2 is on the minus strand). VCF-style: chr8-119778064-T-C. GRCh37 (hg19) VCF-style: chr8-120790304-T-C.
Identifiers: ClinVar variation 1170267 (VCV001170267.16), dbSNP rs1509348, ClinGen allele CA4857101.

ClinVar aggregate classification (germline): Benign. Review status: criteria provided, multiple submitters, no conflicts (2 of 4 stars). 6 submissions from 6 submitters: Benign (5). 1 of the submissions does not count toward it. Last evaluated 2026-02-03.

Conditions:
TAF2-related disorder. Also called: TAF2-related condition.
Microcephaly-thin corpus callosum-intellectual disability syndrome (NEDFCF). Also called: NEURODEVELOPMENTAL DISORDER WITH FEEDING DIFFICULTIES, THIN CORPUS CALLOSUM, AND FOOT DEFORMITY; Intellectual developmental disorder, autosomal recessive 40. Identifiers: Orphanet 397951, MedGen C3810080, MONDO:0014273, OMIM 615599.

Allele frequency attached by ClinVar (database versions not stated): ESP Exome Variant Server 0.60362; TOPMed 0.60937; 1000 Genomes Project 0.54593; gnomAD 0.59959 and 0.60847; 1000 Genomes Project 30x 0.55497; gnomAD exomes 0.55826 and 0.56563; ExAC 0.56947.
gnomAD v4.1: 891,382 of 1,583,444 alleles (56%); highest among the groups gnomAD compares: Middle Eastern, 69%; 254,170 homozygotes.

Submissions (6):

Labcorp Genetics (formerly Invitae), Labcorp
Classification: Benign. Last evaluated: 2026-02-03. Review status: criteria provided, single submitter. Criteria: Invitae Variant Classification Sherloc (09022015). Collection method: clinical testing. Allele origin: germline.

Blueprint Genetics
Classification: Benign. Last evaluated: 2024-11-27. Review status: criteria provided, single submitter. Criteria: ACMG Guidelines, 2015. Collection method: clinical testing. Allele origin: germline.

Genome-Nilou Lab
Classification: Benign for Microcephaly-thin corpus callosum-intellectual disability syndrome. Last evaluated: 2021-07-15. Review status: criteria provided, single submitter. Criteria: ACMG Guidelines, 2015. Collection method: clinical testing. Allele origin: germline. Affected: no.

GeneDx
Classification: Benign. Last evaluated: 2019-12-13. Review status: criteria provided, single submitter. Criteria: GeneDx Variant Classification Process June 2021. Collection method: clinical testing. Allele origin: germline. Affected: yes.

Breakthrough Genomics
Classification: Benign. Review status: criteria provided, single submitter. Criteria: ACMG Guidelines, 2015. Collection method: not provided. Allele origin: germline. Inheritance: Autosomal recessive inheritance. Affected: yes.

PreventionGenetics, part of Exact Sciences
Classification: Benign for TAF2-related condition. Last evaluated: 2019-07-15. Review status: no assertion criteria provided. Collection method: clinical testing. Allele origin: germline. Not counted in ClinVar's aggregate classification.
Comment: This variant is classified as benign based on ACMG/AMP sequence variant interpretation guidelines (Richards et al. 2015 PMID: 25741868, with internal and published modifications).